The following is an entry in ClinVar:

NM_018062.4(FANCL):c.548TAA[1] (p.Ile184del)

Gene: FANCL (FA complementation group L; minus strand). Cytogenetic location: 2p16.1.
Variant type: Microsatellite.
Coding change: c.548TAA[1] on transcript NM_018062.4 (MANE Select); one copy of the 3-base unit TAA starting at c.548; the reference has two copies in a row; one copy, 3 bases deleted.
Protein change: p.Ile184del; deletes isoleucine 184.
Molecular consequence: inframe deletion. On other transcripts: inframe indel (1).
Genome position (GRCh38, 1-based): chr2:58,165,862-58,165,864, TTA deleted on the plus strand (TAA on the coding strand, the reverse complement: FANCL is on the minus strand); deleting any 3 consecutive bases within chr2:58,165,862-58,165,867 gives the same sequence; the position shown is the placement nearest the transcript's 3' end. VCF-style (leftmost placement, unchanged base first): chr2-58165861-CTTA-C. GRCh37 (hg19) VCF-style: chr2-58392996-CTTA-C.
Other names: c.563_565TAA[1], p.Ile189del (NM_001114636.2); c.593TAA[1], p.Ile199del (NM_001374615.1); c.608TAA[1], p.Ile204del (NM_001410792.1); short protein forms I184del, I189del, I199del, I204del.
Identifiers: ClinVar variation 625940 (VCV000625940.2), dbSNP rs1573532439, ClinGen allele CA913189575.

ClinVar aggregate classification (germline): Uncertain significance (1 of 4 stars; one submission).

Conditions:
Fanconi anemia complementation group L (FANCL). Also called: FANCL-Related Fanconi Anemia. Identifiers: Orphanet 84, MedGen C3469528, MONDO:0013566, OMIM 614083.

Submission:

Center for Genomics, Ann and Robert H. Lurie Children's Hospital of Chicago
Classification: Uncertain significance for Fanconi anemia complementation group L. Last evaluated: 2021-03-30. Review status: criteria provided, single submitter. Criteria: ACMG Guidelines, 2015. Collection method: clinical testing. Allele origin: germline.
Comment: FANCL NM_018062.3 exon 8 p.Ile184del (c.551_553del): This variant has not been reported in the literature and is not present in large control databases. Evolutionary conservation and computational predictive tools for this variant are limited or unavailable. This variant represents an in-frame deletion of 1 amino acid at position 184 and is not predicted to alter the reading frame. However, the effect of this variant on the protein is unclear. In summary, data on this variant is insufficient for disease classification. Therefore, the clinical significance of this variant is uncertain.